The following is an entry in ClinVar:

ClinVar aggregate classification (germline): Likely benign. Review status: criteria provided, multiple submitters, no conflicts (2 of 4 stars). 4 submissions from 4 submitters: Likely benign (3). 1 of the submissions does not count toward it. Last evaluated 2026-03-01.

Conditions:
CTDP1-related disorder. Also called: CTDP1-related condition.

Allele frequency attached by ClinVar (database versions not stated): ExAC 0.00002; gnomAD 0.00005; TOPMed 0.00007; gnomAD exomes 0.00008.
gnomAD v4.1: 120 of 1,613,992 alleles (0.0074%); highest among the groups gnomAD compares: Non-Finnish European, 0.0094%; no homozygotes.

Submissions (4):

CeGaT Center for Human Genetics Tuebingen
Classification: Likely benign. Last evaluated: 2026-03-01. Review status: criteria provided, single submitter. Criteria: CeGaT Center For Human Genetics Tuebingen Variant Classification Criteria Version 2. Collection method: clinical testing. Allele origin: germline. Affected: yes. Observed: 1 variant allele.
Comment: CTDP1: BP4, BP7

Labcorp Genetics (formerly Invitae), Labcorp
Classification: Likely benign. Last evaluated: 2025-07-09. Review status: criteria provided, single submitter. Criteria: Invitae Variant Classification Sherloc (09022015). Collection method: clinical testing. Allele origin: germline.

Blueprint Genetics
Classification: Likely benign. Last evaluated: 2024-10-09. Review status: criteria provided, single submitter. Criteria: ACMG Guidelines, 2015. Collection method: clinical testing. Allele origin: germline.

PreventionGenetics, part of Exact Sciences
Classification: Likely benign for CTDP1-related condition. Last evaluated: 2023-08-05. Review status: no assertion criteria provided. Collection method: clinical testing. Allele origin: germline. Not counted in ClinVar's aggregate classification.
Comment: This variant is classified as likely benign based on ACMG/AMP sequence variant interpretation guidelines (Richards et al. 2015 PMID: 25741868, with internal and published modifications).

NM_004715.5(CTDP1):c.2439G>A (p.Pro813=)

Gene: CTDP1 (CTD phosphatase 1; plus strand). Cytogenetic location: 18q23.
Variant type: single nucleotide variant.
Coding change: c.2439G>A on transcript NM_004715.5 (MANE Select); coding-DNA position 2439, G replaced by A.
Protein change: p.Pro813=; no amino-acid change (proline 813 retained).
Molecular consequence: synonymous variant. On other transcripts: intron variant (1).
Genome position (GRCh38, 1-based): chr18:79,728,928, G>A. VCF-style: chr18-79728928-G-A. GRCh37 (hg19) VCF-style: chr18-77488928-G-A.
Other names: c.2082G>A, p.Pro694= (NM_001202504.1); c.2439G>A, p.Pro813= (NM_001318511.2); c.2418-7427G>A (NM_048368.4).
Identifiers: ClinVar variation 2056959 (VCV002056959.11), dbSNP rs770864397, ClinGen allele CA9010613.
Genomic context (GRCh38, chr18:79,728,928, plus strand): 5'-CTGACCTTCCTCATGTGGGACCTATGAAATTCCTTTCAGAGCGGTTCCGCCACCCCAGCC[G>A]CAGATGTTTGGTGAAGAGCTGCCTGACGCTCAGGACGGAGAGCAGCCTGGCCCTTCTAGA-3'
Protein context (NP_004706.3, residues 803-823): SSFRAVPPPQ[Pro813=]QMFGEELPDA